The following is an entry in ClinVar:

ClinVar aggregate classification (germline): Uncertain significance (1 of 4 stars; one submission).

Submission:

GeneDx
Classification: Uncertain significance. Last evaluated: 2019-07-30. Review status: criteria provided, single submitter. Criteria: GeneDx Variant Classification Process June 2021. Collection method: clinical testing. Allele origin: germline. Affected: yes.
Comment: Not observed in large population cohorts (Lek et al., 2016); Has not been previously published as pathogenic or benign to our knowledge; In-silico analysis, which includes splice predictors and evolutionary conservation, is inconclusive as to whether the variant alters gene splicing or has an impact as a regulatory variant. In the absence of RNA/functional studies, the actual effect of this sequence change is unknown.

NM_014423.4(AFF4):c.-1C>T

Gene: AFF4 (ALF transcription elongation factor 4; minus strand). Cytogenetic location: 5q31.1.
Variant type: single nucleotide variant.
Coding change: c.-1C>T on transcript NM_014423.4 (MANE Select); 1 bases upstream of the start codon, C replaced by T.
Molecular consequence: 5 prime UTR variant.
Genome position (GRCh38, 1-based): chr5:132,937,190, G>A on the plus strand (C>T on the coding strand, the complement: AFF4 is on the minus strand). VCF-style: chr5-132937190-G-A. GRCh37 (hg19) VCF-style: chr5-132272882-G-A.
Identifiers: ClinVar variation 1304297 (VCV001304297.2), dbSNP rs2150100811, ClinGen allele CA2573052427.